The following is an entry in ClinVar:

NM_002637.4(PHKA1):c.3170G>A (p.Arg1057Gln)

Gene: PHKA1 (phosphorylase kinase regulatory subunit alpha 1; minus strand). Cytogenetic location: Xq13.1.
Variant type: single nucleotide variant.
Coding change: c.3170G>A on transcript NM_002637.4 (MANE Select); coding-DNA position 3170, G replaced by A.
Protein change: p.Arg1057Gln; replaces arginine 1057 with glutamine.
Molecular consequence: missense variant.
Genome position (GRCh38, 1-based): chrX:72,593,177, C>T on the plus strand (G>A on the coding strand, the complement: PHKA1 is on the minus strand). VCF-style: chrX-72593177-C-T. GRCh37 (hg19) VCF-style: chrX-71813027-C-T.
Other names: c.3131G>A (NM_001122670.1); c.3131G>A, p.Arg1044Gln (NM_001122670.2); c.2954G>A, p.Arg985Gln (NM_001172436.2); short protein forms R1044Q, R1057Q, R985Q.
Identifiers: ClinVar variation 1678517 (VCV001678517.6), dbSNP rs184743934, ClinGen allele CA10450513.
Genomic context (GRCh38, chrX:72,593,177, plus strand): 5'-TTCCATACTTTCTGATAAAATCCAACTGGAACTCTATTCAGTGCCCCATCCAGCCTTCTT[C>T]GGCGTTGCCATTGACCTTGACGACTATCTTTAGATGACTGCTGATCATATGCACTAGGAA-3'
Protein context (NP_002628.2, residues 1047-1067): KDSRQGQWQR[Arg1057Gln]RRLDGALNRV

ClinVar aggregate classification (germline): Uncertain significance. Review status: criteria provided, multiple submitters, no conflicts (2 of 4 stars). 3 submissions from 3 submitters: Uncertain significance (3). Last evaluated 2023-08-04.

Conditions:
Glycogen storage disease IXd (GSD9D). Also called: GSD IXd; Muscle Phosphorylase Kinase Deficiency. Identifiers: Orphanet 715, MedGen C1845151, MONDO:0010362, OMIM 300559.

Allele frequency attached by ClinVar (database versions not stated): ExAC 0.00001; gnomAD 0.00001 and 0.00002; gnomAD exomes 0.00001 and 0.00002; TOPMed 0.00001; 1000 Genomes Project 30x 0.00021; 1000 Genomes Project 0.00026.
gnomAD v4.1: 16 of 1,192,281 alleles (0.0013%); highest among the groups gnomAD compares: Admixed American, 0.0066%; no homozygotes.

Submissions (3):

Labcorp Genetics (formerly Invitae), Labcorp
Classification: Uncertain significance for Glycogen storage disease IXd. Last evaluated: 2023-08-04. Review status: criteria provided, single submitter. Criteria: Invitae Variant Classification Sherloc (09022015). Collection method: clinical testing. Allele origin: germline.
Comment: This sequence change replaces arginine, which is basic and polar, with glutamine, which is neutral and polar, at codon 1057 of the PHKA1 protein (p.Arg1057Gln). This variant is present in population databases (rs184743934, gnomAD 0.004%). This variant has not been reported in the literature in individuals affected with PHKA1-related conditions. ClinVar contains an entry for this variant (Variation ID: 1678517). An algorithm developed to predict the effect of missense changes on protein structure and function (PolyPhen-2) suggests that this variant is likely to be disruptive. Algorithms developed to predict the effect of sequence changes on RNA splicing suggest that this variant may disrupt the consensus splice site. In summary, the available evidence is currently insufficient to determine the role of this variant in disease. Therefore, it has been classified as a Variant of Uncertain Significance.

Clinical Genetics Laboratory, Skane University Hospital Lund
Classification: Uncertain significance. Last evaluated: 2022-05-27. Review status: criteria provided, single submitter. Criteria: ACMG Guidelines, 2015. Collection method: clinical testing. Allele origin: germline. Affected: yes.

AiLife Diagnostics
Classification: Uncertain significance. Last evaluated: 2021-06-30. Review status: criteria provided, single submitter. Criteria: ACMG Guidelines, 2015. Collection method: clinical testing. Allele origin: germline. Affected: yes. Observed: 1 variant allele.